The following is an entry in ClinVar:

ClinVar aggregate classification (germline): Uncertain significance (1 of 4 stars; one submission).

Conditions:
Primary ciliary dyskinesia. Also called: Ciliary dyskinesia. Identifiers: Orphanet 244, MedGen C0008780, MONDO:0016575, HP:0012265.

Allele frequency attached by ClinVar (database versions not stated): ExAC 0.00001; gnomAD 0.00001 and 0.00002; gnomAD exomes 0.00001; TOPMed 0.00002.
gnomAD v4.1: 33 of 1,613,004 alleles (0.002%); highest among the groups gnomAD compares: Non-Finnish European, 0.0027%; no homozygotes.

Submission:

Labcorp Genetics (formerly Invitae), Labcorp
Classification: Uncertain significance for Primary ciliary dyskinesia. Last evaluated: 2021-08-11. Review status: criteria provided, single submitter. Criteria: Invitae Variant Classification Sherloc (09022015). Collection method: clinical testing. Allele origin: germline.
Comment: This sequence change replaces serine with cysteine at codon 3297 of the DNAH8 protein (p.Ser3297Cys). The serine residue is highly conserved and there is a moderate physicochemical difference between serine and cysteine. In summary, the available evidence is currently insufficient to determine the role of this variant in disease. Therefore, it has been classified as a Variant of Uncertain Significance. Algorithms developed to predict the effect of missense changes on protein structure and function are either unavailable or do not agree on the potential impact of this missense change (SIFT: "Deleterious"; PolyPhen-2: "Not Available"; Align-GVGD: "Class C65"). This variant has not been reported in the literature in individuals affected with DNAH8-related conditions. This variant is present in population databases (rs768565947, ExAC 0.002%).

NM_001206927.2(DNAH8):c.9890C>G (p.Ser3297Cys)

Genes: DNAH8-AS1 (DNAH8 antisense RNA 1; minus strand), DNAH8 (dynein axonemal heavy chain 8; plus strand). Cytogenetic location: 6p21.2.
Variant type: single nucleotide variant.
Coding change: c.9890C>G on transcript NM_001206927.2 (MANE Select); coding-DNA position 9890, C replaced by G.
Protein change: p.Ser3297Cys; replaces serine 3297 with cysteine.
Molecular consequence: missense variant.
Genome position (GRCh38, 1-based): chr6:38,913,879, C>G. VCF-style: chr6-38913879-C-G. GRCh37 (hg19) VCF-style: chr6-38881655-C-G.
Other names: c.9239C>G, p.Ser3080Cys (NM_001371.4); short protein forms S3080C, S3297C.
Identifiers: ClinVar variation 1447569 (VCV001447569.5), dbSNP rs768565947, ClinGen allele CA3790610.